The following is an entry in ClinVar:

ClinVar aggregate classification (germline): Uncertain significance. Review status: criteria provided, multiple submitters, no conflicts (2 of 4 stars). 2 submissions from 2 submitters: Uncertain significance (2). Last evaluated 2025-09-10.

Conditions:
Costello syndrome (CSTLO). Also called: FACIOCUTANEOSKELETAL SYNDROME; FCS SYNDROME; HRAS-Related Costello Syndrome. Identifiers: Orphanet 3071, MedGen C0587248, MONDO:0009026, OMIM 218040.

Allele frequency attached by ClinVar (database versions not stated): ExAC 0.00001; gnomAD exomes 0.00001; gnomAD 0.00003; TOPMed 0.00004.
gnomAD v4.1: 5 of 1,613,712 alleles (0.00031%); highest among the groups gnomAD compares: African/African-American, 0.0067%; no homozygotes.

Submissions (2):

Labcorp Genetics (formerly Invitae), Labcorp
Classification: Uncertain significance for Costello syndrome. Last evaluated: 2025-09-10. Review status: criteria provided, single submitter. Criteria: Invitae Variant Classification Sherloc (09022015). Collection method: clinical testing. Allele origin: germline.
Comment: This sequence change replaces glutamic acid, which is acidic and polar, with glutamine, which is neutral and polar, at codon 126 of the HRAS protein (p.Glu126Gln). This variant is present in population databases (rs763754805, gnomAD 0.01%). This variant has not been reported in the literature in individuals affected with HRAS-related conditions. ClinVar contains an entry for this variant (Variation ID: 1438088). Invitae Evidence Modeling of protein sequence and biophysical properties (such as structural, functional, and spatial information, amino acid conservation, physicochemical variation, residue mobility, and thermodynamic stability) has been performed for this missense variant. However, the output from this modeling did not meet the statistical confidence thresholds required to predict the impact of this variant on HRAS protein function. In summary, the available evidence is currently insufficient to determine the role of this variant in disease. Therefore, it has been classified as a Variant of Uncertain Significance.

St. Jude Molecular Pathology, St. Jude Children's Research Hospital
Classification: Uncertain significance for Costello syndrome. Last evaluated: 2023-05-31. Review status: criteria provided, single submitter. Criteria: St. Jude Assertion Criteria 2020. Collection method: clinical testing. Allele origin: germline.
Comment: The HRAS c.376G>C (p.Glu126Gln) missense change has a maximum subpopulation frequency of 0.012% in gnomAD v2.1.1. The in silico tool REVEL predicts a benign effect on protein function, but to our knowledge this prediction has not been confirmed by functional studies. To our knowledge, this variant has not been reported in the literature in individuals with Costello syndrome. In summary, the evidence currently available is insufficient to determine the clinical significance of this variant. It has therefore been classified as of uncertain significance.

NM_005343.4(HRAS):c.376G>C (p.Glu126Gln)

Genes: HRAS (HRas proto-oncogene, GTPase; minus strand), LRRC56 (leucine rich repeat containing 56; plus strand). Cytogenetic location: 11p15.5.
Variant type: single nucleotide variant.
Coding change: c.376G>C on transcript NM_005343.4 (MANE Select); coding-DNA position 376, G replaced by C.
Protein change: p.Glu126Gln; replaces glutamic acid 126 with glutamine.
Molecular consequence: missense variant.
Genome position (GRCh38, 1-based): chr11:533,527, C>G on the plus strand (G>C on the coding strand, the complement: HRAS is on the minus strand). VCF-style: chr11-533527-C-G. GRCh37 (hg19) VCF-style: chr11-533527-C-G.
Other names: c.376G>C, p.Glu126Gln (NM_176795.5, NM_001130442.3); c.57G>C, p.Trp19Cys (NM_001318054.2); short protein forms E126Q, W19C.
Identifiers: ClinVar variation 1438088 (VCV001438088.9), dbSNP rs763754805, ClinGen allele CA5779325.